The following is an entry in ClinVar:

NM_000053.4(ATP7B):c.2866-21C>T

Gene: ATP7B (ATPase copper transporting beta; minus strand). Cytogenetic location: 13q14.3.
Variant type: single nucleotide variant.
Coding change: c.2866-21C>T on transcript NM_000053.4 (MANE Select); 21 bases into the intron before coding-DNA position 2866, C replaced by T.
Molecular consequence: intron variant.
Genome position (GRCh38, 1-based): chr13:51,946,499, G>A on the plus strand (C>T on the coding strand, the complement: ATP7B is on the minus strand). VCF-style: chr13-51946499-G-A. GRCh37 (hg19) VCF-style: chr13-52520635-G-A.
Other names: c.2533-21C>T (NM_001243182.2); c.2245-21C>T (NM_001005918.3); c.2614-21C>T (NM_001330579.2); c.2632-21C>T (NM_001330578.2).
Identifiers: ClinVar variation 507938 (VCV000507938.1), dbSNP rs763362019, ClinGen allele CA6988881.

ClinVar aggregate classification (germline): Likely benign (1 of 4 stars; one submission).

Allele frequency attached by ClinVar (database versions not stated): gnomAD 0.00002; TOPMed 0.00005.
gnomAD v4.1: 110 of 1,613,294 alleles (0.0068%); highest among the groups gnomAD compares: Non-Finnish European, 0.0075%; no homozygotes.

Submission:

GeneDx
Classification: Likely benign. Last evaluated: 2017-03-16. Review status: criteria provided, single submitter. Criteria: GeneDx Variant Classification (06012015). Collection method: clinical testing. Allele origin: germline. Affected: yes.
Comment: This variant is considered likely benign or benign based on one or more of the following criteria: it is a conservative change, it occurs at a poorly conserved position in the protein, it is predicted to be benign by multiple in silico algorithms, and/or has population frequency not consistent with disease.